The following is an entry in ClinVar:

NM_002691.4(POLD1):c.1775+1G>A

Gene: POLD1 (DNA polymerase delta 1, catalytic subunit; plus strand). Cytogenetic location: 19q13.33.
Variant type: single nucleotide variant.
Coding change: c.1775+1G>A on transcript NM_002691.4 (MANE Select); the canonical splice donor site of the intron after coding-DNA position 1775, G replaced by A.
Molecular consequence: splice donor variant.
Genome position (GRCh38, 1-based): chr19:50,407,416, G>A. VCF-style: chr19-50407416-G-A. GRCh37 (hg19) VCF-style: chr19-50910673-G-A.
Other names: c.1775+1G>A (NM_001256849.1, NM_001308632.1).
Identifiers: ClinVar variation 2108996 (VCV002108996.4), dbSNP rs756549387, ClinGen allele CA406981427.

ClinVar aggregate classification (germline): Uncertain significance (1 of 4 stars; one submission).

Conditions:
POLD1-related polyposis and colorectal cancer syndrome (CRCS10). Also called: Colorectal cancer 10; COLORECTAL CANCER, SUSCEPTIBILITY TO, ON CHROMOSOME 19q; Colorectal cancer, susceptibility to, 10. Identifiers: Orphanet 220460, MedGen C2675481, MONDO:0012953, OMIM 612591.

Submission:

Labcorp Genetics (formerly Invitae), Labcorp
Classification: Uncertain significance for POLD1-related polyposis and colorectal cancer syndrome. Last evaluated: 2023-02-19. Review status: criteria provided, single submitter. Criteria: Invitae Variant Classification Sherloc (09022015). Collection method: clinical testing. Allele origin: germline.
Comment: In summary, the available evidence is currently insufficient to determine the role of this variant in disease. Therefore, it has been classified as a Variant of Uncertain Significance. This sequence change affects a donor splice site in intron 14 of the POLD1 gene. Missense variants that disrupt the 3'-5' exonuclease (proof-reading) activity of the POLD1 protein are associated with PPAP (polymerase proofreading–associated polyposis) (PMID: 23263490, 23447401). However, loss-of-function variants that result in an absent or severely disrupted POLD1 protein, and missense variants outside the exonuclease domain, are unlikely to be associated with PPAP. This variant is not present in population databases (gnomAD no frequency). This variant has not been reported in the literature in individuals affected with POLD1-related conditions. Algorithms developed to predict the effect of sequence changes on RNA splicing suggest that this variant may disrupt the consensus splice site.

Literature cited by the submitters: PubMed 23263490; PubMed 23447401.